The following is an entry in ClinVar:

ClinVar aggregate classification (germline): Uncertain significance. Review status: criteria provided, multiple submitters, no conflicts (2 of 4 stars). 2 submissions from 2 submitters: Uncertain significance (2). Last evaluated 2024-03-05.

Conditions:
Inborn genetic diseases. Identifiers: MedGen C0950123, MeSH D030342.
Jeune thoracic dystrophy. Also called: Jeune syndrome; Infantile thoracic dystrophy; Thoracic pelvic phalangeal dystrophy; Jeune's syndrome; Chondroectodermal dysplasia-like syndrome; Short-rib thoracic dysplasia. Identifiers: Orphanet 474, MedGen C0265275, MONDO:0018770.

Allele frequency attached by ClinVar (database versions not stated): ExAC 0.00001; TOPMed 0.00002; gnomAD 0.00003 and 0.00004.
gnomAD v4.1: 26 of 1,612,812 alleles (0.0016%); highest among the groups gnomAD compares: African/African-American, 0.004%; no homozygotes.

Submissions (2):

Ambry Genetics
Classification: Uncertain significance for Inborn genetic diseases. Last evaluated: 2024-03-05. Review status: criteria provided, single submitter. Criteria: Ambry Variant Classification Scheme 2023. Collection method: clinical testing. Allele origin: germline.

Labcorp Genetics (formerly Invitae), Labcorp
Classification: Uncertain significance for Jeune thoracic dystrophy. Last evaluated: 2022-10-17. Review status: criteria provided, single submitter. Criteria: Invitae Variant Classification Sherloc (09022015). Collection method: clinical testing. Allele origin: germline.
Comment: This sequence change replaces glutamine, which is neutral and polar, with proline, which is neutral and non-polar, at codon 676 of the DYNC2H1 protein (p.Gln676Pro). This variant is present in population databases (rs752041287, gnomAD 0.01%). This variant has not been reported in the literature in individuals affected with DYNC2H1-related conditions. ClinVar contains an entry for this variant (Variation ID: 1429612). Algorithms developed to predict the effect of missense changes on protein structure and function (SIFT, PolyPhen-2, Align-GVGD) all suggest that this variant is likely to be tolerated. In summary, the available evidence is currently insufficient to determine the role of this variant in disease. Therefore, it has been classified as a Variant of Uncertain Significance.

NM_001377.3(DYNC2H1):c.2027A>C (p.Gln676Pro)

Gene: DYNC2H1 (dynein cytoplasmic 2 heavy chain 1; plus strand). Cytogenetic location: 11q22.3.
Variant type: single nucleotide variant.
Coding change: c.2027A>C on transcript NM_001377.3 (MANE Select); coding-DNA position 2027, A replaced by C.
Protein change: p.Gln676Pro; replaces glutamine 676 with proline.
Molecular consequence: missense variant.
Genome position (GRCh38, 1-based): chr11:103,133,628, A>C. VCF-style: chr11-103133628-A-C. GRCh37 (hg19) VCF-style: chr11-103004357-A-C.
Other names: c.2027A>C, p.Gln676Pro (NM_001080463.2); c.2027A>C (NM_001080463.1); short protein forms Q676P.
Identifiers: ClinVar variation 1429612 (VCV001429612.4), dbSNP rs752041287, ClinGen allele CA6252935.